The following is an entry in ClinVar:

ClinVar aggregate classification (germline): Likely benign (1 of 4 stars; one submission).

Allele frequency attached by ClinVar (database versions not stated): TOPMed 0.00003; gnomAD 0.00004; ExAC 0.00006.
gnomAD v4.1: 77 of 1,211,027 alleles (0.0064%); highest among the groups gnomAD compares: Middle Eastern, 0.091%; no homozygotes.

Submission:

CeGaT Center for Human Genetics Tuebingen
Classification: Likely benign. Last evaluated: 2022-09-01. Review status: criteria provided, single submitter. Criteria: CeGaT Center For Human Genetics Tuebingen Variant Classification Criteria Version 2. Collection method: clinical testing. Allele origin: germline. Affected: yes. Observed: 1 variant allele.
Comment: ERAS: BP4, BP7

NM_181532.3(ERAS):c.360C>T (p.Phe120=)

Gene: ERAS (ES cell expressed Ras; plus strand). Cytogenetic location: Xp11.23.
Variant type: single nucleotide variant.
Coding change: c.360C>T on transcript NM_181532.3 (MANE Select); coding-DNA position 360, C replaced by T.
Protein change: p.Phe120=; no amino-acid change (phenylalanine 120 retained).
Molecular consequence: synonymous variant.
Genome position (GRCh38, 1-based): chrX:48,829,483, C>T. VCF-style: chrX-48829483-C-T. GRCh37 (hg19) VCF-style: chrX-48687893-C-T.
Identifiers: ClinVar variation 2660478 (VCV002660478.24), dbSNP rs782659386, ClinGen allele CA10405524.